The following is an entry in ClinVar:

NM_022464.5(SIL1):c.1088A>C (p.Gln363Pro)

Gene: SIL1 (SIL1 nucleotide exchange factor; minus strand). Cytogenetic location: 5q31.2.
Variant type: single nucleotide variant.
Coding change: c.1088A>C on transcript NM_022464.5 (MANE Select); coding-DNA position 1088, A replaced by C.
Protein change: p.Gln363Pro; replaces glutamine 363 with proline.
Molecular consequence: missense variant.
Genome position (GRCh38, 1-based): chr5:138,947,415, T>G on the plus strand (A>C on the coding strand, the complement: SIL1 is on the minus strand). VCF-style: chr5-138947415-T-G. GRCh37 (hg19) VCF-style: chr5-138283104-T-G.
Other names: c.1088A>C, p.Gln363Pro (NM_001037633.2); short protein forms Q363P.
Identifiers: ClinVar variation 448381 (VCV000448381.7), dbSNP rs563414935, ClinGen allele CA3432371.

ClinVar aggregate classification (germline): Uncertain significance. Review status: criteria provided, multiple submitters, no conflicts (2 of 4 stars). 5 submissions from 5 submitters: Uncertain significance (5). Last evaluated 2024-05-09.

Conditions:
Inborn genetic diseases. Identifiers: MedGen C0950123, MeSH D030342.
Marinesco-Sjögren syndrome (MSS). Also called: Marinesco-SjÃ¶gren syndrome; Marinesco-Sjogren Syndrome. Identifiers: Orphanet 559, MedGen C0024814, MONDO:0009567, OMIM 248800.

Allele frequency attached by ClinVar (database versions not stated): ExAC 0.00003; TOPMed 0.00003; gnomAD 0.00004 and 0.00005; gnomAD exomes 0.00004 and 0.00013.
gnomAD v4.1: 200 of 1,613,522 alleles (0.012%); highest among the groups gnomAD compares: Non-Finnish European, 0.016%; no homozygotes.

Submissions (5):

GeneDx
Classification: Uncertain significance. Last evaluated: 2024-05-09. Review status: criteria provided, single submitter. Criteria: GeneDx Variant Classification Process June 2021. Collection method: clinical testing. Allele origin: germline. Affected: yes.
Comment: Not observed at significant frequency in large population cohorts (gnomAD); In silico analysis supports that this missense variant has a deleterious effect on protein structure/function; Has not been previously published as pathogenic or benign to our knowledge

Revvity Omics, Revvity
Classification: Uncertain significance for Marinesco-Sjögren syndrome. Last evaluated: 2023-05-18. Review status: criteria provided, single submitter. Criteria: ACMG Guidelines, 2015. Collection method: clinical testing. Allele origin: germline.

Labcorp Genetics (formerly Invitae), Labcorp
Classification: Uncertain significance for Marinesco-Sjögren syndrome. Last evaluated: 2022-09-01. Review status: criteria provided, single submitter. Criteria: Invitae Variant Classification Sherloc (09022015). Collection method: clinical testing. Allele origin: germline.
Comment: This sequence change replaces glutamine, which is neutral and polar, with proline, which is neutral and non-polar, at codon 363 of the SIL1 protein (p.Gln363Pro). The frequency data for this variant in the population databases is considered unreliable, as metrics indicate poor data quality at this position in the gnomAD database. This variant has not been reported in the literature in individuals affected with SIL1-related conditions. ClinVar contains an entry for this variant (Variation ID: 448381). Algorithms developed to predict the effect of missense changes on protein structure and function are either unavailable or do not agree on the potential impact of this missense change (SIFT: "Deleterious"; PolyPhen-2: "Probably Damaging"; Align-GVGD: "Class C0"). In summary, the available evidence is currently insufficient to determine the role of this variant in disease. Therefore, it has been classified as a Variant of Uncertain Significance.

Ambry Genetics
Classification: Uncertain significance for Inborn genetic diseases. Last evaluated: 2021-04-28. Review status: criteria provided, single submitter. Criteria: Ambry Variant Classification Scheme 2023. Collection method: clinical testing. Allele origin: germline.

Athena Diagnostics
Classification: Uncertain significance. Last evaluated: 2020-03-10. Review status: criteria provided, single submitter. Criteria: Athena Diagnostics Criteria. Collection method: clinical testing. Allele origin: unknown.